The following is an entry in ClinVar:

ClinVar aggregate classification (germline): Uncertain significance. Review status: criteria provided, multiple submitters, no conflicts (2 of 4 stars). 2 submissions from 2 submitters: Uncertain significance (2). Last evaluated 2025-04-12.

Conditions:
Developmental and epileptic encephalopathy, 1 (DEE1). Also called: X-linked infantile spasms; West's syndrome; Tonic spasms with clustering, arrest of psychomotor development and hypsarrhythmia on EEG; X-Linked Infantile Spasm Syndrome; OHTAHARA SYNDROME, X-LINKED; Epileptic encephalopathy, early infantile, 1. Identifiers: MedGen C3463992, MONDO:0010632, OMIM 308350. Disease mechanism: loss of function.
Autosomal recessive spinocerebellar ataxia 12. Also called: SPINOCEREBELLAR ATAXIA WITH MENTAL RETARDATION AND EPILEPSY. Identifiers: Orphanet 284282, MedGen C3280452, MONDO:0013687, OMIM 614322.
Inborn genetic diseases. Identifiers: MedGen C0950123, MeSH D030342.

Allele frequency attached by ClinVar (database versions not stated): ExAC 0.00002; gnomAD exomes 0.00001; TOPMed 0.00002.
gnomAD v4.1: 7 of 1,614,070 alleles (0.00043%); highest among the groups gnomAD compares: Admixed American, 0.0033%; no homozygotes.

Submissions (2):

Ambry Genetics
Classification: Uncertain significance for Inborn genetic diseases. Last evaluated: 2025-04-12. Review status: criteria provided, single submitter. Criteria: Ambry Variant Classification Scheme 2023. Collection method: clinical testing. Allele origin: germline.

Labcorp Genetics (formerly Invitae), Labcorp
Classification: Uncertain significance for Developmental and epileptic encephalopathy, 1; Autosomal recessive spinocerebellar ataxia 12. Last evaluated: 2022-05-21. Review status: criteria provided, single submitter. Criteria: Invitae Variant Classification Sherloc (09022015). Collection method: clinical testing. Allele origin: germline.
Comment: This sequence change replaces asparagine, which is neutral and polar, with aspartic acid, which is acidic and polar, at codon 294 of the WWOX protein (p.Asn294Asp). This variant is present in population databases (rs775585652, gnomAD 0.006%). This variant has not been reported in the literature in individuals affected with WWOX-related conditions. ClinVar contains an entry for this variant (Variation ID: 862419). Algorithms developed to predict the effect of missense changes on protein structure and function are either unavailable or do not agree on the potential impact of this missense change (SIFT: "Not Available"; PolyPhen-2: "Probably Damaging"; Align-GVGD: "Not Available"). In summary, the available evidence is currently insufficient to determine the role of this variant in disease. Therefore, it has been classified as a Variant of Uncertain Significance.

NM_016373.4(WWOX):c.880A>G (p.Asn294Asp)

Gene: WWOX (WW domain containing oxidoreductase; plus strand). Cytogenetic location: 16q23.1.
Variant type: single nucleotide variant.
Coding change: c.880A>G on transcript NM_016373.4 (MANE Select); coding-DNA position 880, A replaced by G.
Protein change: p.Asn294Asp; replaces asparagine 294 with aspartic acid.
Molecular consequence: missense variant.
Genome position (GRCh38, 1-based): chr16:78,432,576, A>G. VCF-style: chr16-78432576-A-G. GRCh37 (hg19) VCF-style: chr16-78466473-A-G.
Other names: c.541A>G, p.Asn181Asp (NM_001291997.2); c.880A>G (NM_016373.2); short protein forms N181D, N294D.
Identifiers: ClinVar variation 862419 (VCV000862419.8), dbSNP rs775585652, ClinGen allele CA8183534.